The following is an entry in ClinVar:

NM_145038.5(DRC1):c.*9G>A

Gene: DRC1 (dynein regulatory complex subunit 1; plus strand). Cytogenetic location: 2p23.3.
Variant type: single nucleotide variant.
Coding change: c.*9G>A on transcript NM_145038.5 (MANE Select); 9 bases downstream of the stop codon, G replaced by A.
Molecular consequence: 3 prime UTR variant.
Genome position (GRCh38, 1-based): chr2:26,456,526, G>A. VCF-style: chr2-26456526-G-A. GRCh37 (hg19) VCF-style: chr2-26679394-G-A.
Identifiers: ClinVar variation 262563 (VCV000262563.11), dbSNP rs1054737, ClinGen allele CA1562592.

ClinVar aggregate classification (germline): Benign/Likely benign. Review status: criteria provided, multiple submitters, no conflicts (2 of 4 stars). 6 submissions from 6 submitters: Benign (5); Likely benign (1). Last evaluated 2024-11-26.

Allele frequency attached by ClinVar (database versions not stated): 1000 Genomes Project 0.02656; 1000 Genomes Project 30x 0.02717; gnomAD exomes 0.04363 and 0.06305; ExAC 0.04463; gnomAD 0.04631 and 0.04766; TOPMed 0.04632; ESP Exome Variant Server 0.05782.
gnomAD v4.1: 98,784 of 1,613,910 alleles (6.1%); highest among the groups gnomAD compares: Non-Finnish European, 7.2%; 3,534 homozygotes.

Submissions (6):

Blueprint Genetics
Classification: Likely benign. Last evaluated: 2024-11-26. Review status: criteria provided, single submitter. Criteria: ACMG Guidelines, 2015. Collection method: clinical testing. Allele origin: germline.

Mayo Clinic Laboratories, Mayo Clinic
Classification: Benign. Last evaluated: 2022-04-26. Review status: criteria provided, single submitter. Criteria: ACMG Guidelines, 2015. Collection method: clinical testing. Allele origin: germline. Observed: 20 variant alleles.

GeneDx
Classification: Benign. Last evaluated: 2018-07-09. Review status: criteria provided, single submitter. Criteria: GeneDx Variant Classification Process June 2021. Collection method: clinical testing. Allele origin: germline. Affected: yes.

Laboratory for Molecular Medicine, Mass General Brigham Personalized Medicine
Classification: Benign. Last evaluated: 2016-03-29. Review status: criteria provided, single submitter. Criteria: LMM Criteria. Collection method: clinical testing. Allele origin: germline.
Comment: Variant identified in a genome or exome case(s) and assessed due to predicted null impact of the variant or pathogenic assertions in the literature or databases. Disclaimer: This variant has not undergone full assessment. The following are preliminary notes: Frequency

Breakthrough Genomics
Classification: Benign. Review status: criteria provided, single submitter. Criteria: ACMG Guidelines, 2015. Collection method: not provided. Allele origin: germline. Inheritance: Autosomal recessive inheritance. Affected: yes.

PreventionGenetics, part of Exact Sciences
Classification: Benign. Review status: criteria provided, single submitter. Criteria: ACMG Guidelines, 2015. Collection method: clinical testing. Allele origin: germline.